The following is an entry in ClinVar:

ClinVar aggregate classification (germline): Conflicting classifications of pathogenicity. Review status: criteria provided, conflicting classifications (1 of 4 stars). 2 submissions from 2 submitters: Uncertain significance (1); Likely benign (1). Last evaluated 2024-12-10.

Conditions:
Hereditary spastic paraplegia 49 (HSAN9). Also called: TECPR2-Related Hereditary Sensory and Autonomic Neuropathy with Intellectual Disability; NEUROPATHY, HEREDITARY SENSORY AND AUTONOMIC, TYPE IX, WITH DEVELOPMENTAL DELAY; Spastic paraplegia 49, autosomal recessive. Identifiers: Orphanet 320385, MedGen C5190860, MONDO:0014016, OMIM 615031.

Allele frequency attached by ClinVar (database versions not stated): 1000 Genomes Project 0.00060; ESP Exome Variant Server 0.00062; 1000 Genomes Project 30x 0.00047; TOPMed 0.00049.
gnomAD v4.1: 187 of 1,613,768 alleles (0.012%); highest among the groups gnomAD compares: African/African-American, 0.19%; 1 homozygote.

Submissions (2):

Women's Health and Genetics/Laboratory Corporation of America, LabCorp
Classification: Likely benign. Last evaluated: 2024-12-10. Review status: criteria provided, single submitter. Criteria: LabCorp Variant Classification Summary - May 2015. Collection method: clinical testing. Allele origin: germline.
Comment: Variant summary: TECPR2 c.2513C>T (p.Pro838Leu) results in a non-conservative amino acid change in the encoded protein sequence. Three of five in-silico tools predict a damaging effect of the variant on protein function. The variant allele was found at a frequency of 0.00015 in 250740 control chromosomes, predominantly at a frequency of 0.002 within the African or African-American subpopulation in the gnomAD database. The observed variant frequency within African or African-American control individuals in the gnomAD database is approximately 2 fold of the estimated maximal expected allele frequency for a pathogenic variant in TECPR2 causing Hereditary spastic paraplegia 49 phenotype (0.0011). To our knowledge, no experimental evidence of c.2513C>T demonstrating its impact on protein function have been reported. ClinVar contains an entry for this variant (Variation ID: 2071723). Based on the evidence outlined above, the variant was classified as likely benign.

Labcorp Genetics (formerly Invitae), Labcorp
Classification: Uncertain significance for Hereditary spastic paraplegia 49. Last evaluated: 2022-06-01. Review status: criteria provided, single submitter. Criteria: Invitae Variant Classification Sherloc (09022015). Collection method: clinical testing. Allele origin: germline.
Comment: This sequence change replaces proline, which is neutral and non-polar, with leucine, which is neutral and non-polar, at codon 838 of the TECPR2 protein (p.Pro838Leu). This variant is present in population databases (rs147312456, gnomAD 0.2%). This variant has not been reported in the literature in individuals affected with TECPR2-related conditions. Algorithms developed to predict the effect of missense changes on protein structure and function are either unavailable or do not agree on the potential impact of this missense change (SIFT: "Deleterious"; PolyPhen-2: "Benign"; Align-GVGD: "Class C0"). In summary, the available evidence is currently insufficient to determine the role of this variant in disease. Therefore, it has been classified as a Variant of Uncertain Significance.

NM_014844.5(TECPR2):c.2513C>T (p.Pro838Leu)

Genes: TECPR2 (tectonin beta-propeller repeat containing 2; plus strand), LOC130056519 (ATAC-STARR-seq lymphoblastoid silent region 6116; plus strand). Cytogenetic location: 14q32.31.
Variant type: single nucleotide variant.
Coding change: c.2513C>T on transcript NM_014844.5 (MANE Select); coding-DNA position 2513, C replaced by T.
Protein change: p.Pro838Leu; replaces proline 838 with leucine.
Molecular consequence: missense variant.
Genome position (GRCh38, 1-based): chr14:102,438,140, C>T. VCF-style: chr14-102438140-C-T. GRCh37 (hg19) VCF-style: chr14-102904477-C-T.
Other names: c.2513C>T, p.Pro838Leu (NM_001172631.3); short protein forms P838L.
Identifiers: ClinVar variation 2071723 (VCV002071723.2), dbSNP rs147312456, ClinGen allele CA7357944.